The following is an entry in ClinVar:

NM_018972.4(GDAP1):c.*357A>G

Gene: GDAP1 (ganglioside induced differentiation associated protein 1; plus strand). Cytogenetic location: 8q21.11.
Variant type: single nucleotide variant.
Coding change: c.*357A>G on transcript NM_018972.4 (MANE Select); 357 bases downstream of the stop codon, A replaced by G.
Molecular consequence: 3 prime UTR variant. On other transcripts: intron variant (1).
Genome position (GRCh38, 1-based): chr8:74,364,724, A>G. VCF-style: chr8-74364724-A-G. GRCh37 (hg19) VCF-style: chr8-75276959-A-G.
Other names: c.*357A>G (NM_001040875.4, NM_001362929.2, NM_001362930.2 and 1 more transcripts); c.694+1671A>G (NM_001362931.2).
Identifiers: ClinVar variation 363721 (VCV000363721.6), dbSNP rs1135715, ClinGen allele CA4785259.
Genomic context (GRCh38, chr8:74,364,724, plus strand): 5'-CGTTCATGGCTGCCTGTCTCATTGGTAAACCTCACATTTAGTTACTTGTGGCTACTGCCC[A>G]CACATACACTTCTGTAATTGAGAACTCTTAGGAGAGGACTAGGGAATCACTGGGGATAGT-3'

ClinVar aggregate classification (germline): Benign. Review status: criteria provided, multiple submitters, no conflicts (2 of 4 stars). 3 submissions from 2 submitters: Benign (3). Last evaluated 2018-01-12.

Conditions:
Charcot-Marie-Tooth disease, axonal, with vocal cord paresis, autosomal recessive. Also called: CHARCOT-MARIE-TOOTH DISEASE, TYPE 4A, AXONAL FORM; CHARCOT-MARIE-TOOTH NEUROPATHY, AXONAL, WITH VOCAL CORD PARESIS, AUTOSOMAL RECESSIVE; CMT2 WITH VOCAL CORD PARESIS, AUTOSOMAL RECESSIVE. Identifiers: Orphanet 101097, MedGen C1843183, MONDO:0011898, OMIM 607706.
Charcot-Marie-Tooth disease recessive intermediate A (CMTRIA). Also called: CHARCOT-MARIE-TOOTH NEUROPATHY, RECESSIVE INTERMEDIATE A. Identifiers: Orphanet 217055, MedGen C1842197, MONDO:0012014, OMIM 608340.

Allele frequency attached by ClinVar (database versions not stated): gnomAD 0.18199 and 0.18752; TOPMed 0.19987; gnomAD exomes 0.21460 and 0.24061; ExAC 0.23342; 1000 Genomes Project 0.23343; 1000 Genomes Project 30x 0.23438.
gnomAD v4.1: 95,929 of 467,504 alleles (21%); highest among the groups gnomAD compares: Admixed American, 37%; 11,111 homozygotes.

Submissions (3):

Illumina Laboratory Services, Illumina
Classification: Benign for Charcot-Marie-Tooth disease, axonal, with vocal cord paresis, autosomal recessive. Last evaluated: 2018-01-12. Review status: criteria provided, single submitter. Criteria: ICSL Variant Classification Criteria 13 December 2019. Collection method: clinical testing. Allele origin: germline.
Comment: This variant was observed in the ICSL laboratory as part of a predisposition screen in an ostensibly healthy population. It had not been previously curated by ICSL or reported in the Human Gene Mutation Database (HGMD: prior to June 1st, 2018), and was therefore a candidate for classification through an automated scoring system. Utilizing variant allele frequency, disease prevalence and penetrance estimates, and inheritance mode, an automated score was calculated to assess if this variant is too frequent to cause the disease. Based on the score and internal cut-off values, a variant classified as benign is not then subjected to further curation. The score for this variant resulted in a classification of benign for this disease.

Illumina Laboratory Services, Illumina
Classification: Benign for Charcot-Marie-Tooth disease recessive intermediate A. Last evaluated: 2018-01-12. Review status: criteria provided, single submitter. Criteria: ICSL Variant Classification Criteria 13 December 2019. Collection method: clinical testing. Allele origin: germline.
Comment: the same text as in the submission from Illumina Laboratory Services, Illumina above.

Breakthrough Genomics
Classification: Benign. Review status: criteria provided, single submitter. Criteria: ACMG Guidelines, 2015. Collection method: not provided. Allele origin: germline. Inheritance: Autosomal recessive inheritance. Affected: yes.